The following is an entry in ClinVar:

NM_001201543.2(FAM161A):c.706A>G (p.Ile236Val)

Gene: FAM161A (FAM161 centrosomal protein A; minus strand). Cytogenetic location: 2p15.
Variant type: single nucleotide variant.
Coding change: c.706A>G on transcript NM_001201543.2 (MANE Select); coding-DNA position 706, A replaced by G.
Protein change: p.Ile236Val; replaces isoleucine 236 with valine.
Molecular consequence: missense variant. On other transcripts: non-coding transcript variant (1).
Genome position (GRCh38, 1-based): chr2:61,840,298, T>C on the plus strand (A>G on the coding strand, the complement: FAM161A is on the minus strand). VCF-style: chr2-61840298-T-C. GRCh37 (hg19) VCF-style: chr2-62067433-T-C.
Other names: c.706A>G, p.Ile236Val (NM_032180.3); c.706A>G (NM_001201543.1); short protein forms I236V.
Identifiers: ClinVar variation 336742 (VCV000336742.24), dbSNP rs17513722, ClinGen allele CA1679302.

ClinVar aggregate classification (germline): Benign. Review status: criteria provided, multiple submitters, no conflicts (2 of 4 stars). 7 submissions from 7 submitters: Benign (6). 1 of the submissions does not count toward it. Last evaluated 2026-02-04.

Conditions:
Retinitis pigmentosa 28 (RP28). Identifiers: Orphanet 791, MedGen C1419614, MONDO:0011630, OMIM 606068.
Retinal dystrophy. Also called: Inherited retinal dystrophy. Identifiers: Orphanet 71862, MedGen C0854723, MeSH D058499, MONDO:0019118, HP:0000556.
Retinitis pigmentosa (RP). Identifiers: Orphanet 791, MedGen C0035334, MeSH D012174, MONDO:0019200, OMIM 268000. Inheritance: Autosomal dominant, autosomal recessive and X linked inheritance.

Allele frequency attached by ClinVar (database versions not stated): 1000 Genomes Project 30x 0.11618; 1000 Genomes Project 0.11641; TOPMed 0.16508; gnomAD 0.16943 and 0.17102; gnomAD exomes 0.18359 and 0.21755; ExAC 0.18418; ESP Exome Variant Server 0.18810.
gnomAD v4.1: 343,234 of 1,613,926 alleles (21%); highest among the groups gnomAD compares: Middle Eastern, 26%; 38,874 homozygotes.

Submissions (7):

Labcorp Genetics (formerly Invitae), Labcorp
Classification: Benign. Last evaluated: 2026-02-04. Review status: criteria provided, single submitter. Criteria: Invitae Variant Classification Sherloc (09022015). Collection method: clinical testing. Allele origin: germline.

Dept Of Ophthalmology, Nagoya University
Classification: Benign for Retinal dystrophy. Last evaluated: 2023-10-01. Review status: criteria provided, single submitter. Criteria: Submitter's publication. Collection method: research. Allele origin: germline. Affected: yes.

Genome-Nilou Lab
Classification: Benign for Retinitis pigmentosa 28. Last evaluated: 2021-07-10. Review status: criteria provided, single submitter. Criteria: ACMG Guidelines, 2015. Collection method: clinical testing. Allele origin: germline. Affected: no.

GeneDx
Classification: Benign. Last evaluated: 2021-05-14. Review status: criteria provided, single submitter. Criteria: GeneDx Variant Classification Process June 2021. Collection method: clinical testing. Allele origin: germline. Affected: yes.
Comment: This variant is associated with the following publications: (PMID: 33444683)

Illumina Laboratory Services, Illumina
Classification: Benign for Retinitis pigmentosa. Last evaluated: 2018-01-13. Review status: criteria provided, single submitter. Criteria: ICSL Variant Classification Criteria 13 December 2019. Collection method: clinical testing. Allele origin: germline.
Comment: This variant was observed in the ICSL laboratory as part of a predisposition screen in an ostensibly healthy population. It had not been previously curated by ICSL or reported in the Human Gene Mutation Database (HGMD: prior to June 1st, 2018), and was therefore a candidate for classification through an automated scoring system. Utilizing variant allele frequency, disease prevalence and penetrance estimates, and inheritance mode, an automated score was calculated to assess if this variant is too frequent to cause the disease. Based on the score and internal cut-off values, a variant classified as benign is not then subjected to further curation. The score for this variant resulted in a classification of benign for this disease.

Breakthrough Genomics
Classification: Benign. Review status: criteria provided, single submitter. Criteria: ACMG Guidelines, 2015. Collection method: not provided. Allele origin: germline. Inheritance: Unknown mechanism. Affected: yes.

Natera, Inc.
Classification: Benign for Retinitis pigmentosa type 28. Last evaluated: 2019-11-20. Review status: no assertion criteria provided. Collection method: clinical testing. Allele origin: germline. Not counted in ClinVar's aggregate classification.